The following is an entry in ClinVar:

ClinVar aggregate classification (germline): Uncertain significance. Review status: criteria provided, multiple submitters, no conflicts (2 of 4 stars). 3 submissions from 3 submitters: Uncertain significance (3). Last evaluated 2024-12-30.

Conditions:
KDM6A-related disorder. Also called: KDM6A-related condition.
Kabuki syndrome 2 (KABUK2). Also called: KDM6A-Related Kabuki Syndrome. Identifiers: Orphanet 2322, MedGen C3275495, MONDO:0010465, OMIM 300867.

Allele frequency attached by ClinVar (database versions not stated): gnomAD 0.00001; gnomAD exomes 0.00001; TOPMed 0.00005.
gnomAD v4.1: 12 of 1,206,768 alleles (0.00099%); highest among the groups gnomAD compares: Admixed American, 0.0022%; no homozygotes.

Submissions (3):

PreventionGenetics, part of Exact Sciences
Classification: Uncertain significance for KDM6A-related condition. Last evaluated: 2024-12-30. Review status: criteria provided, single submitter. Criteria: ACMG Guidelines, 2015. Collection method: clinical testing. Allele origin: germline.
Comment: The KDM6A c.2959A>C variant is predicted to result in the amino acid substitution p.Lys987Gln. To our knowledge, this variant has not been reported in the literature. This variant is reported in 0.0024% of alleles in individuals of European (non-Finnish) descent in gnomAD. At this time, the clinical significance of this variant is uncertain due to the absence of conclusive functional and genetic evidence.

Women's Health and Genetics/Laboratory Corporation of America, LabCorp
Classification: Uncertain significance. Last evaluated: 2024-12-24. Review status: criteria provided, single submitter. Criteria: LabCorp Variant Classification Summary - May 2015. Collection method: clinical testing. Allele origin: germline.
Comment: Variant summary: KDM6A c.2959A>C (p.Lys987Gln) results in a conservative amino acid change located in the Cupin domain of the encoded protein sequence. Three of five in-silico tools predict a damaging effect of the variant on protein function. The variant allele was found at a frequency of 1.1e-05 in 183228 control chromosomes. The available data on variant occurrences in the general population are insufficient to allow any conclusion about variant significance. To our knowledge, no occurrence of c.2959A>C in individuals affected with Kabuki Syndrome 2 and no experimental evidence demonstrating its impact on protein function have been reported. ClinVar contains an entry for this variant (Variation ID: 2634401). Based on the evidence outlined above, the variant was classified as uncertain significance.

Labcorp Genetics (formerly Invitae), Labcorp
Classification: Uncertain significance for Kabuki syndrome 2. Last evaluated: 2023-02-06. Review status: criteria provided, single submitter. Criteria: Invitae Variant Classification Sherloc (09022015). Collection method: clinical testing. Allele origin: germline.
Comment: In summary, the available evidence is currently insufficient to determine the role of this variant in disease. Therefore, it has been classified as a Variant of Uncertain Significance. Advanced modeling of protein sequence and biophysical properties (such as structural, functional, and spatial information, amino acid conservation, physicochemical variation, residue mobility, and thermodynamic stability) performed at Invitae indicates that this missense variant is not expected to disrupt KDM6A protein function. This variant has not been reported in the literature in individuals affected with KDM6A-related conditions. This variant is present in population databases (rs765953991, gnomAD 0.003%), including at least one homozygous and/or hemizygous individual. This sequence change replaces lysine, which is basic and polar, with glutamine, which is neutral and polar, at codon 987 of the KDM6A protein (p.Lys987Gln).

Literature cited by the submitters: PubMed 25225064 (cited by Women's Health and Genetics/Laboratory Corporation of America, LabCorp); PubMed 21828135 (cited by Women's Health and Genetics/Laboratory Corporation of America, LabCorp); PubMed 22377896 (cited by Women's Health and Genetics/Laboratory Corporation of America, LabCorp); PubMed 29479066 (cited by Women's Health and Genetics/Laboratory Corporation of America, LabCorp); PubMed 27276561 (cited by Women's Health and Genetics/Laboratory Corporation of America, LabCorp).

NM_001291415.2(KDM6A):c.3115A>C (p.Lys1039Gln)

Gene: KDM6A (lysine demethylase 6A; plus strand). Cytogenetic location: Xp11.3.
Variant type: single nucleotide variant.
Coding change: c.3115A>C on transcript NM_001291415.2 (MANE Select); coding-DNA position 3115, A replaced by C.
Protein change: p.Lys1039Gln; replaces lysine 1039 with glutamine.
Molecular consequence: missense variant. On other transcripts: non-coding transcript variant (1).
Genome position (GRCh38, 1-based): chrX:45,079,166, A>C. VCF-style: chrX-45079166-A-C. GRCh37 (hg19) VCF-style: chrX-44938411-A-C.
Other names: c.2857A>C, p.Lys953Gln (NM_001419814.1, NM_001410742.1); c.2722A>C, p.Lys908Gln (NM_001419815.1, NM_001291418.2); c.2959A>C, p.Lys987Gln (NM_021140.4, NM_001419812.1); c.2980A>C, p.Lys994Gln (NM_001291416.2, NM_001419811.1); c.2824A>C, p.Lys942Gln (NM_001291417.2); c.2071A>C, p.Lys691Gln (NM_001291421.2); c.3115A>C, p.Lys1039Gln (NM_001419809.1); c.3013A>C, p.Lys1005Gln (NM_001419810.1, NM_001419813.1); short protein forms K1005Q, K1039Q, K691Q, K908Q, K942Q, K953Q, K987Q, K994Q.
Identifiers: ClinVar variation 2634401 (VCV002634401.5), dbSNP rs765953991, ClinGen allele CA329055119.